The following is an entry in ClinVar:

NM_001849.4(COL6A2):c.500G>T (p.Gly167Val)

Gene: COL6A2 (collagen type VI alpha 2 chain; plus strand). Cytogenetic location: 21q22.3.
Variant type: single nucleotide variant.
Coding change: c.500G>T on transcript NM_001849.4 (MANE Select); coding-DNA position 500, G replaced by T.
Protein change: p.Gly167Val; replaces glycine 167 with valine.
Molecular consequence: missense variant.
Genome position (GRCh38, 1-based): chr21:46,112,363, G>T. VCF-style: chr21-46112363-G-T. GRCh37 (hg19) VCF-style: chr21-47532277-G-T.
Other names: c.500G>T, p.Gly167Val (NM_058174.3, NM_058175.3); short protein forms G167V.
Identifiers: ClinVar variation 4743249 (VCV004743249.1).

ClinVar aggregate classification (germline): Uncertain significance (1 of 4 stars; one submission).

Conditions:
Bethlem myopathy 1A. Also called: MYOPATHY, BENIGN CONGENITAL, WITH CONTRACTURES; Bethlem myopathy 1; Bethlem Muscular Dystrophy. Identifiers: Orphanet 610, MedGen CN029274, MONDO:0024530, OMIM 158810.

gnomAD v4.1: 2 of 1,608,112 alleles (0.00012%); highest among the groups gnomAD compares: East Asian, 0.0045%; no homozygotes.

Submission:

Labcorp Genetics (formerly Invitae), Labcorp
Classification: Uncertain significance for Bethlem myopathy 1A. Last evaluated: 2025-06-22. Review status: criteria provided, single submitter. Criteria: Invitae Variant Classification Sherloc (09022015). Collection method: clinical testing. Allele origin: germline.
Comment: This sequence change replaces glycine, which is neutral and non-polar, with valine, which is neutral and non-polar, at codon 167 of the COL6A2 protein (p.Gly167Val). The frequency data for this variant in the population databases is considered unreliable, as metrics indicate poor data quality at this position in the gnomAD database. This variant has not been reported in the literature in individuals affected with COL6A2-related conditions. Invitae Evidence Modeling of protein sequence and biophysical properties (such as structural, functional, and spatial information, amino acid conservation, physicochemical variation, residue mobility, and thermodynamic stability) indicates that this missense variant is expected to disrupt COL6A2 protein function with a positive predictive value of 80%. In summary, the available evidence is currently insufficient to determine the role of this variant in disease. Therefore, it has been classified as a Variant of Uncertain Significance.